The following is an entry in ClinVar:

NM_032119.4(ADGRV1):c.11651del (p.Phe3884fs)

Gene: ADGRV1 (adhesion G protein-coupled receptor V1; plus strand). Cytogenetic location: 5q14.3.
Variant type: Deletion.
Coding change: c.11651del on transcript NM_032119.4 (MANE Select); coding-DNA position 11651, one base deleted (T; older notation c.11651delT).
Protein change: p.Phe3884fs; shifts the reading frame from phenylalanine 3884.
Molecular consequence: frameshift variant. On other transcripts: non-coding transcript variant (1).
Genome position (GRCh38, 1-based): chr5:90,756,524, T deleted; the last of 2 consecutive T bases (chr5:90,756,523-90,756,524); deleting either gives the same sequence. VCF-style (leftmost placement, unchanged base first): chr5-90756522-CT-C. GRCh37 (hg19) VCF-style: chr5-90052339-CT-C.
Other names: short protein forms F3884fs.
Identifiers: ClinVar variation 2630174 (VCV002630174.1), dbSNP rs2531645914, ClinGen allele CA2695198688.
Genomic context (GRCh38, chr5:90,756,522, plus strand): 5'-TCCTGAATTGGAGGAAGGATTTATTGTCACTATCACTGAGGTGAACCTGGTGAACTCTGA[CT>C]TCTCTACAGGACAGCCAAGTGTGCGGAGGCCCGGAATGGAAATAGCTGAGATAATGATAG-3'

ClinVar aggregate classification (germline): Likely pathogenic (1 of 4 stars; one submission).

Conditions:
ADGRV1-related disorder. Also called: ADGRV1-related condition; ADGRV1-related disorders.

Submission:

PreventionGenetics, part of Exact Sciences
Classification: Likely pathogenic for ADGRV1-related condition. Last evaluated: 2023-02-23. Review status: criteria provided, single submitter. Criteria: ACMG Guidelines, 2015. Collection method: clinical testing. Allele origin: germline.
Comment: The ADGRV1 c.11651delT variant is predicted to result in a frameshift and premature protein termination (p.Phe3884Serfs*15). To our knowledge, this variant has not been reported in the literature or in a large population database, indicating this variant is rare. Frameshift variants in ADGRV1 are expected to be pathogenic. This variant is interpreted as likely pathogenic.